The following is an entry in ClinVar:

NM_000051.4(ATM):c.6100C>T (p.Arg2034Ter)

Genes: ATM (ATM serine/threonine kinase; plus strand), C11orf65 (chromosome 11 open reading frame 65; minus strand). Cytogenetic location: 11q22.3.
Variant type: single nucleotide variant.
Coding change: c.6100C>T on transcript NM_000051.4 (MANE Select); coding-DNA position 6100, C replaced by T.
Protein change: p.Arg2034Ter; replaces arginine 2034 with a stop codon.
Molecular consequence: nonsense. On other transcripts: intron variant (2).
Genome position (GRCh38, 1-based): chr11:108,316,015, C>T. VCF-style: chr11-108316015-C-T. GRCh37 (hg19) VCF-style: chr11-108186742-C-T.
Other names: p.R2034*:CGA>TGA; c.6100C>T, p.Arg2034Ter (NM_001351834.2); c.641-6944G>A (NM_001330368.2); c.*39-6944G>A (NM_001351110.2); short protein forms R2034*.
Identifiers: ClinVar variation 127417 (VCV000127417.65), dbSNP rs532480170, ClinGen allele CA286916.

ClinVar aggregate classification (germline): Pathogenic/Likely pathogenic. Review status: criteria provided, multiple submitters, no conflicts (2 of 4 stars). 23 submissions from 22 submitters: Pathogenic (22); Likely pathogenic (1). Last evaluated 2026-06-01.

Conditions:
ATM-related disorder. Also called: ATM-related disorders; ATM-related condition.
Hereditary cancer-predisposing syndrome. Also called: Neoplastic Syndromes, Hereditary; Hereditary Cancer Syndrome; Tumor predisposition; Hereditary neoplastic syndrome. Identifiers: Orphanet 140162, MedGen C0027672, MeSH D009386, MONDO:0015356.
Familial cancer of breast. Also called: BREAST CANCER, FAMILIAL; hereditary breast carcinoma; Hereditary breast cancer. Identifiers: Orphanet 227535, MedGen C0346153, MONDO:0016419, OMIM 114480. Disease mechanism: loss of function.
Ataxia-telangiectasia syndrome (AT). Also called: Ataxia-telangiectasia, complementation group D; AT, COMPLEMENTATION GROUP C; Ataxia-telangiectasia; ATAXIA-TELANGIECTASIA, COMPLEMENTATION GROUP A; ATAXIA-TELANGIECTASIA, FRESNO VARIANT; Ataxia-telangiectasia, complementation group E. Identifiers: Orphanet 100, MedGen C0004135, MONDO:0008840, OMIM 208900.

Allele frequency attached by ClinVar (database versions not stated): TOPMed 0.00002.
gnomAD v4.1: 16 of 1,613,812 alleles (0.00099%); highest among the groups gnomAD compares: South Asian, 0.0022%; no homozygotes.

Submissions 1 to 13 of 23:

CeGaT Center for Human Genetics Tuebingen
Classification: Pathogenic. Last evaluated: 2026-06-01. Review status: criteria provided, single submitter. Criteria: CeGaT Center For Human Genetics Tuebingen Variant Classification Criteria Version 2. Collection method: clinical testing. Allele origin: germline. Affected: yes. Observed: 3 variant alleles.
Comment: ATM: PVS1, PM2, PM3

PreventionGenetics, part of Exact Sciences
Classification: Pathogenic for ATM-related condition. Last evaluated: 2026-02-24. Review status: criteria provided, single submitter. Criteria: ACMG Guidelines, 2015. Collection method: clinical testing. Allele origin: germline.
Comment: The ATM c.6100C>T variant is predicted to result in premature protein termination (p.Arg2034*). This variant has been reported to be causative for autosomal recessive ataxia-telangiectasia (see for example Telatar et al. 1996. PubMed ID: 8659541; Soukupova et al. 2011. PubMed ID: 21833744) as well as multiple cancer types in the heterozygous state (Angèle et al. 2003. PubMed ID: 14695186; Teraoka et al. 2001. PubMed ID: 11505391; Shirts et al. 2016. PubMed ID: 26845104; Susswein et al. 2016. PubMed ID: 26681312; AlDubayan et al. 2018. PubMed ID: 29478780). This variant is reported in 0.0033% of alleles in individuals of South Asian descent in gnomAD. This variant has been reported in the ClinVar database as Likely Pathogenic and Pathogenic (Variation ID: 127417). Nonsense variants in ATM are expected to be pathogenic. This variant is interpreted as pathogenic.

Labcorp Genetics (formerly Invitae), Labcorp
Classification: Pathogenic for Ataxia-telangiectasia syndrome. Last evaluated: 2025-10-29. Review status: criteria provided, single submitter. Criteria: Invitae Variant Classification Sherloc (09022015). Collection method: clinical testing. Allele origin: germline.
Comment: This sequence change creates a premature translational stop signal (p.Arg2034*) in the ATM gene. It is expected to result in an absent or disrupted protein product. Loss-of-function variants in ATM are known to be pathogenic (PMID: 23807571, 25614872). This variant is present in population databases (rs532480170, gnomAD 0.003%). This premature translational stop signal has been observed in individual(s) with ataxia-telangiectasia, breast cancer and multiple cancer types (PMID: 8659541, 11505391, 21833744, 26681312, 26845104). ClinVar contains an entry for this variant (Variation ID: 127417). For these reasons, this variant has been classified as Pathogenic.

Ambry Genetics
Classification: Pathogenic for Hereditary cancer-predisposing syndrome. Last evaluated: 2025-06-25. Review status: criteria provided, single submitter. Criteria: Ambry Variant Classification Scheme 2023. Collection method: clinical testing. Allele origin: germline.
Comment: The p.R2034* pathogenic mutation (also known as c.6100C>T), located in coding exon 41 of the ATM gene, results from a C to T substitution at nucleotide position 6100. This changes the amino acid from an arginine to a stop codon within coding exon 41. This alteration has been reported in multiple individuals with ataxia telangiectasia (Telatar M et al. Am. J. Hum. Genet. 1996 Jul;59(1):40-4; Soukupova J et al. Neuromolecular Med. 2011 Sep;13(3):204-11). It was also described breast and colon cancer cohorts (Angele S et al. Hum. Mutat. 2003 Feb;21(2):169-70; AlDubayan SH et al. Am. J. Hum. Genet. 2018 03;102(3):401-414). This variant is considered to be rare based on population cohorts in the Genome Aggregation Database (gnomAD). In addition to the clinical data presented in the literature, this alteration is expected to result in loss of function by premature protein truncation or nonsense-mediated mRNA decay. As such, this alteration is interpreted as a disease-causing mutation.

Center for Genomic Medicine, Rigshospitalet, Copenhagen University Hospital
Classification: Pathogenic. Last evaluated: 2025-03-04. Review status: criteria provided, single submitter. Criteria: ACMG Guidelines, 2015. Collection method: clinical testing. Allele origin: germline.

Color Diagnostics, LLC DBA Color Health
Classification: Pathogenic for Hereditary cancer-predisposing syndrome. Last evaluated: 2024-12-16. Review status: criteria provided, single submitter. Criteria: ACMG Guidelines, 2015. Collection method: clinical testing. Allele origin: germline.
Comment: This variant changes 1 nucleotide in exon 42 of the ATM gene, creating a premature translation stop signal. This variant is expected to result in an absent or non-functional protein product. This variant has been reported in the homozygous state and compound heterozygous state in individuals affected with ataxia telangiectasia (PMID: 8659541, 21833744, 25122203, 34954471). This variant has also been reported in individuals affected with breast, endometrial, thyroid, pancreatic, gastric, and kidney cancer (PMID: 11505391, 14695186, 19781682, 26681312, 28767289, 30607632, 32963463). This variant has been identified in 2/282742 chromosomes in the general population by the Genome Aggregation Database (gnomAD). Loss of ATM function is a known mechanism of disease. Based on the available evidence, this variant is classified as Pathogenic.

Molecular Pathology, Peter Maccallum Cancer Centre
Classification: Pathogenic for Ataxia-telangiectasia syndrome. Last evaluated: 2024-11-21. Review status: criteria provided, single submitter. Criteria: ACMG Guidelines, 2015. Collection method: clinical testing. Allele origin: germline. Inheritance: Autosomal recessive inheritance.

Natera, Inc.
Classification: Pathogenic for Ataxia-telangiectasia. Last evaluated: 2024-08-20. Review status: criteria provided, single submitter. Criteria: Natera Variant Classification Schema (03/2026). Collection method: clinical testing. Allele origin: germline.
Comment: The c.6100C>T variant in ATM is a nonsense variant predicted to introduce a stop codon at amino acid 2034. This variant is expected to result in nonsense mediated decay, truncation, or a dysfunctional protein product. This variant is rare in the general population with a frequency below the threshold expected for the associated phenotype(s). This variant has been observed in one or more individuals affected with the associated recessive disease, as either homozygous or compound heterozygous with a second variant (PMID: 21833744). Given the available evidence, this variant is classified as Pathogenic.

Baylor Genetics
Classification: Pathogenic for Familial cancer of breast. Last evaluated: 2024-03-21. Review status: criteria provided, single submitter. Criteria: ACMG Guidelines, 2015. Collection method: clinical testing. Allele origin: unknown.

Myriad Genetics, Inc.
Classification: Pathogenic for Familial cancer of breast. Last evaluated: 2024-01-29. Review status: criteria provided, single submitter. Criteria: Myriad Autosomal Dominant, Autosomal Recessive and X-Linked Classification Criteria (2023). Collection method: clinical testing. Allele origin: unknown.
Comment: This variant is considered pathogenic. This variant creates a termination codon and is predicted to result in premature protein truncation.

Genetics and Genomic Medicine Centre, NeuroGen Healthcare, NeuroGen Healthcare
Classification: Pathogenic for Ataxia-telangiectasia syndrome. Last evaluated: 2023-10-26. Review status: criteria provided, single submitter. Criteria: ACMG Guidelines, 2015. Collection method: clinical testing. Allele origin: unknown. Affected: yes.

KCCC/NGS Laboratory, Kuwait Cancer Control Center
Classification: Pathogenic for Familial cancer of breast. Last evaluated: 2023-06-06. Review status: criteria provided, single submitter. Criteria: ACMG Guidelines, 2015. Collection method: clinical testing. Allele origin: germline. Affected: yes.
Comment: A known pathogenic mutation in the ATM gene (c.6100C>T). This sequence change creates a premature translational stop signal (p.Arg2034*) in the ATM gene. It is expected to result in an absent or disrupted protein product. This variant is not present in population databases (ExAC no frequency). This variant has been reported in the literature in individuals affected with ataxia-telangiectasia, breast cancer and multiple cancer types (PMID: 8659541, 21833744, 11505391, 26845104, 26681312). ClinVar contains an entry for this variant (Variation ID: 127417) with 9 submissions, all of which describe it as pathogenic/likely pathogenic, two stars, no conflicts. Loss-of-function variants in ATM are known to be pathogenic (PMID: 23807571, 25614872). In-silico predictions show pathogenic computational verdict based on 4 pathogenic predictions from BayesDel_addAF, DANN, FATHMM-MKL and MutationTaster vs 1 benign prediction from EIGEN. Therefore, this variant has been classified as Pathogenic.

Athena Diagnostics
Classification: Pathogenic. Last evaluated: 2023-05-09. Review status: criteria provided, single submitter. Criteria: Athena Diagnostics Criteria. Collection method: clinical testing. Allele origin: unknown.
Comment: This variant is expected to result in the loss of a functional protein. The frequency of this variant in the general population is consistent with pathogenicity. In multiple individuals with ataxia-telangiectasia, this variant has been seen with a single recessive pathogenic variant in the same gene, suggesting this variant may also be pathogenic.